The following is an entry in ClinVar:

ClinVar aggregate classification (germline): Uncertain significance. Review status: criteria provided, multiple submitters, no conflicts (2 of 4 stars). 2 submissions from 2 submitters: Uncertain significance (2). Last evaluated 2026-01-27.

Conditions:
KLHL24-related disorder. Also called: KLHL24-related condition.
Inborn genetic diseases. Identifiers: MedGen C0950123, MeSH D030342.

Allele frequency attached by ClinVar (database versions not stated): gnomAD exomes 0.00002; ExAC 0.00003; gnomAD 0.00005; ESP Exome Variant Server 0.00008; TOPMed 0.00009.

Submissions (2):

PreventionGenetics, part of Exact Sciences
Classification: Uncertain significance for KLHL24-related condition. Last evaluated: 2026-01-27. Review status: criteria provided, single submitter. Criteria: ACMG Guidelines, 2015. Collection method: clinical testing. Allele origin: germline.
Comment: The KLHL24 c.19C>T variant is predicted to result in the amino acid substitution p.Arg7Cys. To our knowledge, this variant has not been reported in the literature. This variant is reported in 0.012% of alleles in individuals of African descent in gnomAD. At this time, the clinical significance of this variant is uncertain due to the absence of conclusive functional and genetic evidence.

Ambry Genetics
Classification: Uncertain significance for Inborn genetic diseases. Last evaluated: 2025-08-25. Review status: criteria provided, single submitter. Criteria: Ambry Variant Classification Scheme 2023. Collection method: clinical testing. Allele origin: germline.

NM_017644.3(KLHL24):c.19C>T (p.Arg7Cys)

Gene: KLHL24 (kelch like family member 24; plus strand). Cytogenetic location: 3q27.1.
Variant type: single nucleotide variant.
Coding change: c.19C>T on transcript NM_017644.3 (MANE Select); coding-DNA position 19, C replaced by T.
Protein change: p.Arg7Cys; replaces arginine 7 with cysteine.
Molecular consequence: missense variant. On other transcripts: 5 prime UTR variant (2), non-coding transcript variant (2).
Genome position (GRCh38, 1-based): chr3:183,650,375, C>T. VCF-style: chr3-183650375-C-T. GRCh37 (hg19) VCF-style: chr3-183368163-C-T.
Other names: c.19C>T, p.Arg7Cys (NM_001349413.1, NM_001349414.1, NM_001349415.1 and 12 more transcripts); c.-948C>T (NM_001349428.1, NM_001349429.1); short protein forms R7C.
Identifiers: ClinVar variation 2515916 (VCV002515916.4), dbSNP rs145987220, ClinGen allele CA2721523.